The following is an entry in ClinVar:

ClinVar aggregate classification (germline): Pathogenic/Likely pathogenic. Review status: criteria provided, multiple submitters, no conflicts (2 of 4 stars). 2 submissions from 2 submitters: Pathogenic (1); Likely pathogenic (1). Last evaluated 2023-12-14.

Conditions:
SKIN/HAIR/EYE PIGMENTATION 3, LIGHT/DARK SKIN (SHEP3). Also called: EYE COLOR 1; EYE COLOR, GREEN/BLUE; SKIN/HAIR/EYE PIGMENTATION, VARIATION IN, 3; SKIN/HAIR/EYE PIGMENTATION 3, BLUE/GREEN EYE COLOR; SKIN/HAIR/EYE PIGMENTATION 3, FRECKLING. Identifiers: MedGen C2677190, OMIM 601800.

Allele frequency attached by ClinVar (database versions not stated): gnomAD exomes below 0.00001; TOPMed below 0.00001; ExAC 0.00001; gnomAD 0.00001.
gnomAD v4.1: 4 of 1,614,062 alleles (0.00025%); highest among the groups gnomAD compares: African/African-American, 0.0053%; no homozygotes.

Submissions (2):

Labcorp Genetics (formerly Invitae), Labcorp
Classification: Pathogenic. Last evaluated: 2023-12-14. Review status: criteria provided, single submitter. Criteria: Invitae Variant Classification Sherloc (09022015). Collection method: clinical testing. Allele origin: germline.
Comment: This sequence change creates a premature translational stop signal (p.Glu203*) in the TYR gene. It is expected to result in an absent or disrupted protein product. Loss-of-function variants in TYR are known to be pathogenic (PMID: 23504663). This variant is present in population databases (rs778881311, gnomAD 0.007%). This variant has not been reported in the literature in individuals affected with TYR-related conditions. Algorithms developed to predict the effect of sequence changes on RNA splicing suggest that this variant may create or strengthen a splice site. For these reasons, this variant has been classified as Pathogenic.

Baylor Genetics
Classification: Likely pathogenic for SKIN/HAIR/EYE PIGMENTATION 3, LIGHT/DARK SKIN. Last evaluated: 2023-06-28. Review status: criteria provided, single submitter. Criteria: ACMG Guidelines, 2015. Collection method: clinical testing. Allele origin: unknown.

Literature cited by the submitters: PubMed 23504663 (cited by Labcorp Genetics (formerly Invitae), Labcorp).

NM_000372.5(TYR):c.607G>T (p.Glu203Ter)

Gene: TYR (tyrosinase; plus strand). Cytogenetic location: 11q14.3.
Variant type: single nucleotide variant.
Coding change: c.607G>T on transcript NM_000372.5 (MANE Select); coding-DNA position 607, G replaced by T.
Protein change: p.Glu203Ter; replaces glutamic acid 203 with a stop codon.
Molecular consequence: nonsense.
Genome position (GRCh38, 1-based): chr11:89,178,560, G>T. VCF-style: chr11-89178560-G-T. GRCh37 (hg19) VCF-style: chr11-88911728-G-T.
Other names: short protein forms E203*.
Identifiers: ClinVar variation 2679409 (VCV002679409.4), dbSNP rs778881311, ClinGen allele CA6221153.